The following is an entry in ClinVar:

NM_000565.4(IL6R):c.1260del (p.Thr421fs)

Gene: IL6R (interleukin 6 receptor; plus strand). Cytogenetic location: 1q21.3.
Variant type: Deletion.
Coding change: c.1260del on transcript NM_000565.4 (MANE Select); coding-DNA position 1260, one base deleted (C; older notation c.1260delC).
Protein change: p.Thr421fs; shifts the reading frame from threonine 421.
Molecular consequence: frameshift variant. On other transcripts: 3 prime UTR variant (2).
Genome position (GRCh38, 1-based): chr1:154,465,233, C deleted; the last of 3 consecutive C bases (chr1:154,465,231-154,465,233); deleting any one gives the same sequence. VCF-style (leftmost placement, unchanged base first): chr1-154465230-AC-A. GRCh37 (hg19) VCF-style: chr1-154437706-AC-A.
Other names: c.1359del, p.Thr454fs (NM_001382769.1); c.1353del, p.Thr452fs (NM_001382770.1); c.1308del, p.Thr437fs (NM_001382771.1); c.1254del, p.Thr419fs (NM_001382772.1); c.*68del (NM_001382773.1, NM_181359.3); c.900del, p.Thr301fs (NM_001382774.1); short protein forms T421fs, T419fs, T452fs, T301fs, T437fs, T454fs.
Identifiers: ClinVar variation 1969071 (VCV001969071.5), dbSNP rs2525723996, ClinGen allele CA2580061093.

ClinVar aggregate classification (germline): Uncertain significance (1 of 4 stars; one submission).

Submission:

Labcorp Genetics (formerly Invitae), Labcorp
Classification: Uncertain significance. Last evaluated: 2022-07-06. Review status: criteria provided, single submitter. Criteria: Invitae Variant Classification Sherloc (09022015). Collection method: clinical testing. Allele origin: germline.
Comment: This sequence change results in a frameshift in the IL6R gene (p.Thr421Profs*111). While this is not anticipated to result in nonsense mediated decay, it is expected to disrupt the last 48 amino acid(s) of the IL6R protein and extend the protein by 62 additional amino acid residues. This variant is not present in population databases (gnomAD no frequency). In summary, the available evidence is currently insufficient to determine the role of this variant in disease. Therefore, it has been classified as a Variant of Uncertain Significance. This variant has not been reported in the literature in individuals affected with IL6R-related conditions.